The following is an entry in ClinVar:

NM_024675.4(PALB2):c.2506G>A (p.Val836Ile)

Gene: PALB2 (partner and localizer of BRCA2; minus strand). Cytogenetic location: 16p12.2.
Variant type: single nucleotide variant.
Coding change: c.2506G>A on transcript NM_024675.4 (MANE Select); coding-DNA position 2506, G replaced by A.
Protein change: p.Val836Ile; replaces valine 836 with isoleucine.
Molecular consequence: missense variant.
Genome position (GRCh38, 1-based): chr16:23,629,648, C>T on the plus strand (G>A on the coding strand, the complement: PALB2 is on the minus strand). VCF-style: chr16-23629648-C-T. GRCh37 (hg19) VCF-style: chr16-23640969-C-T.
Other names: short protein forms V836I.
Identifiers: ClinVar variation 231442 (VCV000231442.38), dbSNP rs536644825, ClinGen allele CA7963564.
Genomic context (GRCh38, chr16:23,629,648, plus strand): 5'-CTAAGGCATTTCATTCCTTCAGAGAAAATTTCACAGAGGAAATGGATTGTACCTGTTCGA[C>T]GGAATGTTTATGCAGCTCCTGGCATGTGTTTCTACAGAGCTGATTTTCTTTAAAAGTGAA-3'
Protein context (NP_078951.2, residues 826-846): NTCQELHKHS[Val836Ile]EQTETAELPA

ClinVar aggregate classification (germline): Conflicting classifications of pathogenicity. Review status: criteria provided, conflicting classifications (1 of 4 stars). 15 submissions from 15 submitters: Uncertain significance (11); Likely benign (3). 1 of the submissions does not count toward it. Last evaluated 2026-01-18.

Conditions:
PALB2-related disorder. Also called: PALB2-related condition; PALB2-related disorders.
Breast-ovarian cancer, familial, susceptibility to, 5 (BROVCA5). Identifiers: MedGen C5830615, MONDO:0957530, OMIM 620442.
Hereditary cancer-predisposing syndrome. Also called: Hereditary Cancer Syndrome; Tumor predisposition; Hereditary neoplastic syndrome; Neoplastic Syndromes, Hereditary. Identifiers: Orphanet 140162, MedGen C0027672, MeSH D009386, MONDO:0015356.
Familial cancer of breast. Also called: hereditary breast carcinoma; Hereditary breast cancer; BREAST CANCER, FAMILIAL. Identifiers: Orphanet 227535, MedGen C0346153, MONDO:0016419, OMIM 114480. Disease mechanism: loss of function.
PALB2-related cancer predisposition. Identifiers: MedGen CN377761, MONDO:0700272.
Pancreatic cancer, susceptibility to, 3. Identifiers: Orphanet 1333, MedGen C3150547, MONDO:0013236, OMIM 613348.
Fanconi anemia complementation group N. Also called: PALB2-Related Fanconi Anemia. Identifiers: Orphanet 84, MedGen C1835817, MONDO:0012565, OMIM 610832. Disease mechanism: loss of function.

Allele frequency attached by ClinVar (database versions not stated): TOPMed 0.00002; 1000 Genomes Project 30x 0.00016; 1000 Genomes Project 0.00020.
gnomAD v4.1: 26 of 1,613,964 alleles (0.0016%); highest among the groups gnomAD compares: Admixed American, 0.005%; no homozygotes.

Submissions (15):

Labcorp Genetics (formerly Invitae), Labcorp
Classification: Uncertain significance for Familial cancer of breast. Last evaluated: 2026-01-18. Review status: criteria provided, single submitter. Criteria: Invitae Variant Classification Sherloc (09022015). Collection method: clinical testing. Allele origin: germline.
Comment: This sequence change replaces valine, which is neutral and non-polar, with isoleucine, which is neutral and non-polar, at codon 836 of the PALB2 protein (p.Val836Ile). This variant is present in population databases (rs536644825, gnomAD 0.004%). This missense change has been observed in individual(s) with clinical features of hereditary breast and ovarian cancer (HBOC) syndrome (PMID: 33128190, 35264596, 35610400, 35980532, 37937776). ClinVar contains an entry for this variant (Variation ID: 231442). Invitae Evidence Modeling of protein sequence and biophysical properties (such as structural, functional, and spatial information, amino acid conservation, physicochemical variation, residue mobility, and thermodynamic stability) indicates that this missense variant is not expected to disrupt PALB2 protein function with a negative predictive value of 80%. In summary, the available evidence is currently insufficient to determine the role of this variant in disease. Therefore, it has been classified as a Variant of Uncertain Significance.

PreventionGenetics, part of Exact Sciences
Classification: Uncertain significance for PALB2-related condition. Last evaluated: 2025-07-25. Review status: criteria provided, single submitter. Criteria: ACMG Guidelines, 2015. Collection method: clinical testing. Allele origin: germline.
Comment: The PALB2 c.2506G>A variant is predicted to result in the amino acid substitution p.Val836Ile. This variant has been reported in an individual with pancreatic cancer (Tuli et al. 2019. PubMed ID: 30635165) and in patients with breast and/or ovarian cancer (Table S2, Gomes et al. 2021. PubMed ID: 33128190; Supplemental Table 3, Guindalini et al. 2022. PubMed ID: 35264596; Supplementary Material S1, Gonzalez et al. 2022. PubMed ID: 35610400; Table S16, Jensson et al. 2023. PubMed ID: 37937776; Table 2, Pereira et al. 2022. PubMed ID: 35980532). This variant is reported in 0.0035% of alleles in individuals of European (Non-Finnish) descent in gnomAD and has conflicting interpretations of uncertain significance and likely benign in the ClinVar database (Variation ID: 231442). At this time, the clinical significance of this variant is uncertain due to the absence of conclusive functional and genetic evidence.

Dasa
Classification: Uncertain significance for Breast-ovarian cancer, familial, susceptibility to, 5. Last evaluated: 2025-05-21. Review status: criteria provided, single submitter. Criteria: DASA Assertion Criteria. Collection method: clinical testing. Allele origin: germline.
Comment: NM_024675.4(PALB2):c.2506G>A (p.Val836Ile) is a missense variant that results in the substitution of valine with isoleucine. This variant is rare in population databases. The currently available literature and clinical evidence are not sufficient to establish a definitive association between this variant and the reported condition. Therefore, this variant is classified as a variant of uncertain significance.

Quest Diagnostics Nichols Institute San Juan Capistrano
Classification: Uncertain significance. Last evaluated: 2025-04-07. Review status: criteria provided, single submitter. Criteria: Quest Diagnostics criteria. Collection method: clinical testing. Allele origin: unknown.
Comment: The PALB2 c.2506G>A (p.Val836Ile) variant has been reported in the published literature in individuals with a personal and/or family history of breast and/or ovarian cancer (PMID: 35980532 (2022), 35610400 (2022), 35534704 (2022), 35264596 (2022), 33471991 (2021), 33128190 (2021), 28779002 (2017), see also LOVD), and pancreatic cancer (PMID: 30635165 (2019)). This variant has also been observed in reportedly unaffected individuals (PMID: 33471991 (2021), 28779002 (2017), see also LOVD). The frequency of this variant in the general population (Genome Aggregation Database) is uninformative in the assessment of its pathogenicity. Analysis of this variant using bioinformatics tools for the prediction of the effect of amino acid changes on protein structure and function yielded predictions that this variant is benign. Based on the available information, we are unable to determine the clinical significance of this variant.

Myriad Genetics, Inc.
Classification: Likely benign for Familial cancer of breast. Last evaluated: 2025-01-16. Review status: criteria provided, single submitter. Criteria: Myriad Autosomal Dominant, Autosomal Recessive and X-Linked Classification Criteria (2023). Collection method: clinical testing. Allele origin: unknown.
Comment: This variant is considered likely benign. This variant is strongly associated with less severe personal and family histories of cancer, typical for individuals without pathogenic variants in this gene [PMID: 25085752].

Women's Health and Genetics/Laboratory Corporation of America, LabCorp
Classification: Uncertain significance. Last evaluated: 2024-11-11. Review status: criteria provided, single submitter. Criteria: LabCorp Variant Classification Summary - May 2015. Collection method: clinical testing. Allele origin: germline.
Comment: Variant summary: PALB2 c.2506G>A (p.Val836Ile) results in a conservative amino acid change in the encoded protein sequence. Five of five in-silico tools predict a benign effect of the variant on protein function. The variant allele was found at a frequency of 2.4e-05 in 250720 control chromosomes. The available data on variant occurrences in the general population are insufficient to allow any conclusion about variant significance. c.2506G>A has been reported in the literature in individuals affected with Hereditary Breast And Ovarian Cancer Syndrome, without strong evidence for causality (Tuli_2019, Gomes_2020, Gonzalez_2022, Guindalini_2022, Jensson_2023, Pereira_2022, de Oliveira_2022). These report(s) do not provide unequivocal conclusions about association of the variant with Hereditary Breast And Ovarian Cancer Syndrome. To our knowledge, no experimental evidence demonstrating an impact on protein function has been reported. The following publications have been ascertained in the context of this evaluation (PMID: 33128190, 30635165, 35610400, 35264596, 37937776, 35980532, 35534704). ClinVar contains an entry for this variant (Variation ID: 231442). Based on the evidence outlined above, the variant was classified as uncertain significance.

Hema, HEMA – Genetic and Molecular Diagnostic Laboratory
Classification: Uncertain significance for PALB2-related cancer predisposition. Last evaluated: 2024-05-23. Review status: criteria provided, single submitter. Criteria: HEMA Variant Classification Assertion Criteria. Collection method: clinical testing. Allele origin: germline.
Comment: The c.2506G>A (p.Val836Ile) variant is a transition from cytosine to thymine, resulting in the substitution of valine 836 by isoleucine. BP1: Missense variant in a gene in which pathogenic variants are primarily truncations.

Fulgent Genetics
Classification: Uncertain significance for Fanconi anemia complementation group N; Pancreatic cancer, susceptibility to, 3; Breast-ovarian cancer, familial, susceptibility to, 5. Last evaluated: 2024-05-10. Review status: criteria provided, single submitter. Criteria: ACMG Guidelines, 2015. Collection method: clinical testing. Allele origin: germline.

GeneDx
Classification: Uncertain significance. Last evaluated: 2022-12-29. Review status: criteria provided, single submitter. Criteria: GeneDx Variant Classification Process June 2021. Collection method: clinical testing. Allele origin: germline. Affected: yes.
Comment: Not observed at significant frequency in large population cohorts (gnomAD); In silico analysis supports that this missense variant does not alter protein structure/function; This variant is associated with the following publications: (PMID: 30635165, 27093186, 28779002, 33128190, 24485656, 19609323, 30287823)

Department of Pathology and Laboratory Medicine, Sinai Health System
Classification: Uncertain significance for Breast-ovarian cancer, familial, susceptibility to, 5. Last evaluated: 2022-12-28. Review status: criteria provided, single submitter. Criteria: ACMG Guidelines, 2015. Collection method: clinical testing. Allele origin: germline. Affected: yes.

Laboratorio de Genetica e Diagnostico Molecular, Hospital Israelita Albert Einstein
Classification: Uncertain significance for Familial cancer of breast. Last evaluated: 2022-08-26. Review status: criteria provided, single submitter. Criteria: ACMG Guidelines, 2015. Collection method: clinical testing. Allele origin: germline. Affected: yes. Observed: 2 variant alleles.
Comment: ACMG classification criteria: PS4 supporting, PM2 supporting, BP4 supporting

Mendelics
Classification: Uncertain significance for Familial cancer of breast. Last evaluated: 2019-05-28. Review status: criteria provided, single submitter. Criteria: Mendelics Assertion Criteria 2017. Collection method: clinical testing. Allele origin: unknown.

Ambry Genetics
Classification: Likely benign for Hereditary cancer-predisposing syndrome. Last evaluated: 2018-09-10. Review status: criteria provided, single submitter. Criteria: Ambry Variant Classification Scheme 2023. Collection method: clinical testing. Allele origin: germline.

Color Diagnostics, LLC DBA Color Health
Classification: Likely benign for Hereditary cancer-predisposing syndrome. Last evaluated: 2017-02-08. Review status: criteria provided, single submitter. Criteria: ACMG Guidelines, 2015. Collection method: clinical testing. Allele origin: germline.

Leiden Open Variation Database
Classification: Uncertain significance. Last evaluated: 2019-05-13. Review status: no assertion criteria provided. Collection method: curation. Allele origin: germline. Affected: yes. Not counted in ClinVar's aggregate classification.
Comment: Curators: Marc Tischkowitz, Arleen D. Auerbach. Submitter to LOVD: Andreas Laner.

Literature cited by the submitters: PubMed 33128190 (cited by 4 submitters); PubMed 35264596 (cited by 3 submitters); PubMed 35610400 (cited by 3 submitters); PubMed 35980532 (cited by 3 submitters); PubMed 37937776 (cited by Labcorp Genetics (formerly Invitae), Labcorp and Women's Health and Genetics/Laboratory Corporation of America, LabCorp); PubMed 30635165 (cited by Quest Diagnostics Nichols Institute San Juan Capistrano and Women's Health and Genetics/Laboratory Corporation of America, LabCorp); PubMed 28779002 (cited by Quest Diagnostics Nichols Institute San Juan Capistrano and Department of Pathology and Laboratory Medicine, Sinai Health System); PubMed 27093186 (cited by Quest Diagnostics Nichols Institute San Juan Capistrano); PubMed 33471991 (cited by Quest Diagnostics Nichols Institute San Juan Capistrano and Department of Pathology and Laboratory Medicine, Sinai Health System); PubMed 35534704 (cited by Quest Diagnostics Nichols Institute San Juan Capistrano and Women's Health and Genetics/Laboratory Corporation of America, LabCorp); PubMed 25085752 (cited by Myriad Genetics, Inc.).